The following is an entry in ClinVar:

ClinVar aggregate classification (germline): Uncertain significance. Review status: criteria provided, multiple submitters, no conflicts (2 of 4 stars). 2 submissions from 2 submitters: Uncertain significance (2). Last evaluated 2022-09-27.

Conditions:
Combined immunodeficiency due to DOCK8 deficiency (HIES2). Also called: HIES autosomal recessive; HYPER-IgE RECURRENT INFECTION SYNDROME 2, AUTOSOMAL RECESSIVE; HYPER-IgE SYNDROME 2, AUTOSOMAL RECESSIVE, WITH RECURRENT INFECTIONS; Hyper-IgE recurrent infection syndrome, autosomal recessive; DOCK8 Deficiency. Identifiers: Orphanet 217390, MedGen C4722305, MONDO:0009478, OMIM 243700.

Allele frequency attached by ClinVar (database versions not stated): gnomAD 0.00003; TOPMed 0.00005.
gnomAD v4.1: 228 of 1,613,922 alleles (0.014%); highest among the groups gnomAD compares: Non-Finnish European, 0.018%; no homozygotes.

Submissions (2):

Labcorp Genetics (formerly Invitae), Labcorp
Classification: Uncertain significance for Combined immunodeficiency due to DOCK8 deficiency. Last evaluated: 2022-09-27. Review status: criteria provided, single submitter. Criteria: Invitae Variant Classification Sherloc (09022015). Collection method: clinical testing. Allele origin: germline.
Comment: This sequence change replaces arginine, which is basic and polar, with leucine, which is neutral and non-polar, at codon 1065 of the DOCK8 protein (p.Arg1065Leu). This variant is present in population databases (rs369239221, gnomAD 0.008%). This variant has not been reported in the literature in individuals affected with DOCK8-related conditions. ClinVar contains an entry for this variant (Variation ID: 653890). Advanced modeling of protein sequence and biophysical properties (such as structural, functional, and spatial information, amino acid conservation, physicochemical variation, residue mobility, and thermodynamic stability) performed at Invitae indicates that this missense variant is expected to disrupt DOCK8 protein function. In summary, the available evidence is currently insufficient to determine the role of this variant in disease. Therefore, it has been classified as a Variant of Uncertain Significance.

Blueprint Genetics
Classification: Uncertain significance. Last evaluated: 2021-11-12. Review status: criteria provided, single submitter. Criteria: ACMG Guidelines, 2015. Collection method: clinical testing. Allele origin: germline.

NM_203447.4(DOCK8):c.3194G>T (p.Arg1065Leu)

Gene: DOCK8 (dedicator of cytokinesis 8; plus strand). Cytogenetic location: 9p24.3.
Variant type: single nucleotide variant.
Coding change: c.3194G>T on transcript NM_203447.4 (MANE Select); coding-DNA position 3194, G replaced by T.
Protein change: p.Arg1065Leu; replaces arginine 1065 with leucine.
Molecular consequence: missense variant.
Genome position (GRCh38, 1-based): chr9:399,219, G>T. VCF-style: chr9-399219-G-T. GRCh37 (hg19) VCF-style: chr9-399219-G-T.
Other names: c.2894G>T, p.Arg965Leu (NM_001190458.2); c.2990G>T, p.Arg997Leu (NM_001193536.2); short protein forms R965L, R1065L, R997L.
Identifiers: ClinVar variation 653890 (VCV000653890.9), dbSNP rs369239221, ClinGen allele CA4958550.